The following is an entry in ClinVar:

ClinVar aggregate classification (germline): Likely benign (0 of 4 stars; one submission).

Conditions:
DLX6-related disorder. Also called: DLX6-related condition.

Submission:

PreventionGenetics, part of Exact Sciences
Classification: Likely benign for DLX6-related condition. Last evaluated: 2024-06-10. Review status: no assertion criteria provided. Collection method: clinical testing. Allele origin: germline.
Comment: This variant is classified as likely benign based on ACMG/AMP sequence variant interpretation guidelines (Richards et al. 2015 PMID: 25741868, with internal and published modifications).

NM_005222.4(DLX6):c.240G>T (p.Ala80=)

Genes: DLX6 (distal-less homeobox 6; plus strand), DLX6-AS1 (DLX6 antisense RNA 1; minus strand). Cytogenetic location: 7q21.3.
Variant type: single nucleotide variant.
Coding change: c.240G>T on transcript NM_005222.4 (MANE Select); coding-DNA position 240, G replaced by T.
Protein change: p.Ala80=; no amino-acid change (alanine 80 retained).
Molecular consequence: synonymous variant.
Genome position (GRCh38, 1-based): chr7:97,006,217, G>T. VCF-style: chr7-97006217-G-T. GRCh37 (hg19) VCF-style: chr7-96635529-G-T.
Identifiers: ClinVar variation 3348256 (VCV003348256.1).
Genomic context (GRCh38, chr7:97,006,217, plus strand): 5'-CTCCCCGGCCATGGCAGGCGCGCACTACCCTCTGCACTGCCTGCACTCGGCGGCGGCGGC[G>T]GCAGCGGCCGGCTCGCACCACCACCACCACCACCAGCACCACCACCACGGCTCGCCCTAC-3'
Protein context (NP_005213.3, residues 70-90): PLHCLHSAAA[Ala80=]AAAGSHHHHH